The following is an entry in ClinVar:

NM_001365951.3(KIF1B):c.3790A>G (p.Thr1264Ala)

Gene: KIF1B (kinesin family member 1B; plus strand). Cytogenetic location: 1p36.22.
Variant type: single nucleotide variant.
Coding change: c.3790A>G on transcript NM_001365951.3 (MANE Select); coding-DNA position 3790, A replaced by G.
Protein change: p.Thr1264Ala; replaces threonine 1264 with alanine.
Molecular consequence: missense variant.
Genome position (GRCh38, 1-based): chr1:10,345,946, A>G. VCF-style: chr1-10345946-A-G. GRCh37 (hg19) VCF-style: chr1-10406004-A-G.
Other names: c.3790A>G, p.Thr1264Ala (NM_001365952.1); c.3652A>G, p.Thr1218Ala (NM_015074.3); short protein forms T1218A, T1264A.
Identifiers: ClinVar variation 1733610 (VCV001733610.2), dbSNP rs2521777622, ClinGen allele CA338342578.

ClinVar aggregate classification (germline): Uncertain significance (1 of 4 stars; one submission).

Allele frequency attached by ClinVar (database versions not stated): gnomAD exomes below 0.00001.
gnomAD v4.1: 1 of 1,600,692 alleles (0.000062%); highest among the groups gnomAD compares: Non-Finnish European, 0.000086%; no homozygotes.

Submission:

Ambry Genetics
Classification: Uncertain significance. Last evaluated: 2021-04-22. Review status: criteria provided, single submitter. Criteria: Ambry Variant Classification Scheme 2023. Collection method: clinical testing. Allele origin: germline.
Comment: The p.T1218A variant (also known as c.3652A>G), located in coding exon 32 of the KIF1B gene, results from an A to G substitution at nucleotide position 3652. The threonine at codon 1218 is replaced by alanine, an amino acid with similar properties. This amino acid position is highly conserved in available vertebrate species. In addition, the in silico prediction for this alteration is inconclusive. Since supporting evidence is limited at this time, the clinical significance of this alteration remains unclear.